The following is an entry in ClinVar:

ClinVar aggregate classification (germline): Conflicting classifications of pathogenicity. Review status: criteria provided, conflicting classifications (1 of 4 stars). 2 submissions from 2 submitters: Uncertain significance (1); Likely benign (1). Last evaluated 2023-11-19.

Allele frequency attached by ClinVar (database versions not stated): gnomAD 0.00001; TOPMed 0.00001; ExAC 0.00004.
gnomAD v4.1: 13 of 1,614,044 alleles (0.00081%); highest among the groups gnomAD compares: South Asian, 0.0011%; no homozygotes.

Submissions (2):

Labcorp Genetics (formerly Invitae), Labcorp
Classification: Uncertain significance. Last evaluated: 2023-11-19. Review status: criteria provided, single submitter. Criteria: Invitae Variant Classification Sherloc (09022015). Collection method: clinical testing. Allele origin: germline.
Comment: This sequence change replaces aspartic acid, which is acidic and polar, with asparagine, which is neutral and polar, at codon 188 of the EGF protein (p.Asp188Asn). This variant is present in population databases (rs764312466, gnomAD 0.02%). This variant has not been reported in the literature in individuals affected with EGF-related conditions. ClinVar contains an entry for this variant (Variation ID: 1977307). Algorithms developed to predict the effect of missense changes on protein structure and function output the following: SIFT: "Not Available"; PolyPhen-2: "Benign"; Align-GVGD: "Not Available". The asparagine amino acid residue is found in multiple mammalian species, which suggests that this missense change does not adversely affect protein function. In summary, the available evidence is currently insufficient to determine the role of this variant in disease. Therefore, it has been classified as a Variant of Uncertain Significance.

Ambry Genetics
Classification: Likely benign. Last evaluated: 2023-04-26. Review status: criteria provided, single submitter. Criteria: Ambry Variant Classification Scheme 2023. Collection method: clinical testing. Allele origin: germline.

NM_001963.6(EGF):c.562G>A (p.Asp188Asn)

Gene: EGF (epidermal growth factor; plus strand). Cytogenetic location: 4q25.
Variant type: single nucleotide variant.
Coding change: c.562G>A on transcript NM_001963.6 (MANE Select); coding-DNA position 562, G replaced by A.
Protein change: p.Asp188Asn; replaces aspartic acid 188 with asparagine.
Molecular consequence: missense variant.
Genome position (GRCh38, 1-based): chr4:109,943,894, G>A. VCF-style: chr4-109943894-G-A. GRCh37 (hg19) VCF-style: chr4-110865050-G-A.
Other names: c.562G>A, p.Asp188Asn (NM_001178130.3, NM_001178131.3, NM_001357021.2); c.562G>A (NM_001963.4); short protein forms D188N.
Identifiers: ClinVar variation 1977307 (VCV001977307.7), dbSNP rs764312466, ClinGen allele CA3043448.